The following is an entry in ClinVar:

NM_000096.4(CP):c.1526T>C (p.Val509Ala)

Gene: CP (ceruloplasmin; minus strand). Cytogenetic location: 3q24.
Variant type: single nucleotide variant.
Coding change: c.1526T>C on transcript NM_000096.4 (MANE Select); coding-DNA position 1526, T replaced by C.
Protein change: p.Val509Ala; replaces valine 509 with alanine.
Molecular consequence: missense variant. On other transcripts: non-coding transcript variant (1).
Genome position (GRCh38, 1-based): chr3:149,198,554, A>G on the plus strand (T>C on the coding strand, the complement: CP is on the minus strand). VCF-style: chr3-149198554-A-G. GRCh37 (hg19) VCF-style: chr3-148916341-A-G.
Other names: c.1526T>C (NM_000096.3); short protein forms V509A.
Identifiers: ClinVar variation 1901766 (VCV001901766.6), dbSNP rs1727067062, ClinGen allele CA354907602.

ClinVar aggregate classification (germline): Uncertain significance. Review status: criteria provided, multiple submitters, no conflicts (2 of 4 stars). 2 submissions from 2 submitters: Uncertain significance (2). Last evaluated 2024-05-14.

Conditions:
Deficiency of ferroxidase (ACEP). Also called: NEURODEGENERATION WITH BRAIN IRON ACCUMULATION 10; Aceruloplasminemia; Ceruloplasmin deficiency; Familial apoceruloplasmin deficiency; Hereditary ceruloplasmin deficiency; Deficiency of ceruloplasmin. Identifiers: Orphanet 48818, MedGen C0878682, MONDO:0011426, OMIM 604290, HP:0025498.
Inborn genetic diseases. Identifiers: MedGen C0950123, MeSH D030342.

Submissions (2):

Ambry Genetics
Classification: Uncertain significance for Inborn genetic diseases. Last evaluated: 2024-05-14. Review status: criteria provided, single submitter. Criteria: Ambry Variant Classification Scheme 2023. Collection method: clinical testing. Allele origin: germline.

Labcorp Genetics (formerly Invitae), Labcorp
Classification: Uncertain significance for Deficiency of ferroxidase. Last evaluated: 2022-07-06. Review status: criteria provided, single submitter. Criteria: Invitae Variant Classification Sherloc (09022015). Collection method: clinical testing. Allele origin: germline.
Comment: In summary, the available evidence is currently insufficient to determine the role of this variant in disease. Therefore, it has been classified as a Variant of Uncertain Significance. Advanced modeling of protein sequence and biophysical properties (such as structural, functional, and spatial information, amino acid conservation, physicochemical variation, residue mobility, and thermodynamic stability) performed at Invitae indicates that this missense variant is expected to disrupt CP protein function. This variant has not been reported in the literature in individuals affected with CP-related conditions. This variant is not present in population databases (gnomAD no frequency). This sequence change replaces valine, which is neutral and non-polar, with alanine, which is neutral and non-polar, at codon 509 of the CP protein (p.Val509Ala).